The following is an entry in ClinVar:

ClinVar aggregate classification (germline): Likely benign. Review status: criteria provided, multiple submitters, no conflicts (2 of 4 stars). 2 submissions from 2 submitters: Likely benign (2). Last evaluated 2024-11-07.

Conditions:
RAI1-related disorder. Also called: RAI1-related condition.

Allele frequency attached by ClinVar (database versions not stated): gnomAD exomes below 0.00001; gnomAD 0.00002; TOPMed 0.00006.
gnomAD v4.1: 4 of 1,613,860 alleles (0.00025%); highest among the groups gnomAD compares: African/African-American, 0.0053%; no homozygotes.

Submissions (2):

PreventionGenetics, part of Exact Sciences
Classification: Likely benign for RAI1-related condition. Last evaluated: 2024-11-07. Review status: criteria provided, single submitter. Criteria: ACMG Guidelines, 2015. Collection method: clinical testing. Allele origin: germline.
Comment: This variant is classified as likely benign based on ACMG/AMP sequence variant interpretation guidelines (Richards et al. 2015 PMID: 25741868, with internal and published modifications).

Labcorp Genetics (formerly Invitae), Labcorp
Classification: Likely benign. Last evaluated: 2024-04-15. Review status: criteria provided, single submitter. Criteria: Invitae Variant Classification Sherloc (09022015). Collection method: clinical testing. Allele origin: germline.

NM_030665.4(RAI1):c.4116G>C (p.Gly1372=)

Gene: RAI1 (retinoic acid induced 1; plus strand). Cytogenetic location: 17p11.2.
Variant type: single nucleotide variant.
Coding change: c.4116G>C on transcript NM_030665.4 (MANE Select); coding-DNA position 4116, G replaced by C.
Protein change: p.Gly1372=; no amino-acid change (glycine 1372 retained).
Molecular consequence: synonymous variant.
Genome position (GRCh38, 1-based): chr17:17,797,064, G>C. VCF-style: chr17-17797064-G-C. GRCh37 (hg19) VCF-style: chr17-17700378-G-C.
Other names: c.4116G>C (NM_030665.3).
Identifiers: ClinVar variation 1658604 (VCV001658604.9), dbSNP rs900403790, ClinGen allele CA288370956.